The following is an entry in ClinVar:

NM_000051.4(ATM):c.8687_8688del (p.Gln2896fs)

Genes: ATM (ATM serine/threonine kinase; plus strand), C11orf65 (chromosome 11 open reading frame 65; minus strand). Cytogenetic location: 11q22.3.
Variant type: Deletion.
Coding change: c.8687_8688del on transcript NM_000051.4 (MANE Select); coding-DNA positions 8687 to 8688, 2 bases deleted (AG; older notation c.8687_8688delAG).
Protein change: p.Gln2896fs; shifts the reading frame from glutamine 2896.
Molecular consequence: frameshift variant. On other transcripts: intron variant (2).
Genome position (GRCh38, 1-based): chr11:108,353,781-108,353,782, AG deleted. VCF-style (leftmost placement, unchanged base first): chr11-108353780-CAG-C. GRCh37 (hg19) VCF-style: chr11-108224507-CAG-C.
Other names: c.8687_8688del, p.Gln2896fs (NM_001351834.2); c.640+32138_640+32139del (NM_001330368.2); c.695-18490_695-18489del (NM_001351110.2); short protein forms Q2896fs.
Identifiers: ClinVar variation 1764297 (VCV001764297.2), dbSNP rs2547514863, ClinGen allele CA2580083009.

ClinVar aggregate classification (germline): Pathogenic (1 of 4 stars; one submission).

Conditions:
Hereditary cancer-predisposing syndrome. Also called: Hereditary neoplastic syndrome; Neoplastic Syndromes, Hereditary; Tumor predisposition; Hereditary Cancer Syndrome. Identifiers: Orphanet 140162, MedGen C0027672, MeSH D009386, MONDO:0015356.

Submission:

Ambry Genetics
Classification: Pathogenic for Hereditary cancer-predisposing syndrome. Last evaluated: 2020-01-21. Review status: criteria provided, single submitter. Criteria: Ambry Variant Classification Scheme 2023. Collection method: clinical testing. Allele origin: germline.
Comment: The c.8687_8688delAG pathogenic mutation, located in coding exon 59 of the ATM gene, results from a deletion of two nucleotides at nucleotide positions 8687 to 8688, causing a translational frameshift with a predicted alternate stop codon (p.Q2896Rfs*8). This alteration is expected to result in loss of function by premature protein truncation or nonsense-mediated mRNA decay. As such, this alteration is interpreted as a disease-causing mutation.